The following is an entry in ClinVar:

NM_000548.5(TSC2):c.226-6T>A

Gene: TSC2 (TSC complex subunit 2; plus strand). Cytogenetic location: 16p13.3.
Variant type: single nucleotide variant.
Coding change: c.226-6T>A on transcript NM_000548.5 (MANE Select); 6 bases into the intron before coding-DNA position 226, T replaced by A.
Molecular consequence: intron variant.
Genome position (GRCh38, 1-based): chr16:2,053,336, T>A. VCF-style: chr16-2053336-T-A. GRCh37 (hg19) VCF-style: chr16-2103337-T-A.
Other names: c.-1512-6T>A (NM_001406693.1); c.226-6T>A (NM_001406667.1, NM_001406668.1, NM_001114382.3 and 10 more transcripts); c.-591-6T>A (NM_001406680.1, NM_001406683.1, NM_001406687.1); c.-1206-6T>A (NM_001406689.1, NM_001406690.1, NM_001406692.1 and 2 more transcripts); c.-1382-6T>A (NM_001406698.1); c.-1087-6T>A (NM_001406694.1, NM_001406695.1); c.-1194-6T>A (NM_001406696.1); c.-220-6T>A (NM_001406681.1); and 4 more.
Identifiers: ClinVar variation 2767373 (VCV002767373.3), dbSNP rs765069074, ClinGen allele CA2697549555.

ClinVar aggregate classification (germline): Uncertain significance (1 of 4 stars; one submission).

Conditions:
Tuberous sclerosis 2 (TSC2). Identifiers: Orphanet 805, MedGen C1860707, MONDO:0013199, OMIM 613254.

Submission:

Labcorp Genetics (formerly Invitae), Labcorp
Classification: Uncertain significance for Tuberous sclerosis 2. Last evaluated: 2023-10-10. Review status: criteria provided, single submitter. Criteria: Invitae Variant Classification Sherloc (09022015). Collection method: clinical testing. Allele origin: germline.
Comment: This sequence change falls in intron 3 of the TSC2 gene. It does not directly change the encoded amino acid sequence of the TSC2 protein. This variant is not present in population databases (gnomAD no frequency). This variant has not been reported in the literature in individuals affected with TSC2-related conditions. Algorithms developed to predict the effect of sequence changes on RNA splicing suggest that this variant may create or strengthen a splice site. In summary, the available evidence is currently insufficient to determine the role of this variant in disease. Therefore, it has been classified as a Variant of Uncertain Significance.